The following is an entry in ClinVar:

NM_032043.3(BRIP1):c.3039_3040inv (p.Gly1014Ser)

Gene: BRIP1 (BRCA1 interacting DNA helicase 1; minus strand). Cytogenetic location: 17q23.2.
Variant type: Inversion.
Coding change: c.3039_3040inv on transcript NM_032043.3 (MANE Select).
Protein change: p.Gly1014Ser; replaces glycine 1014 with serine.
Molecular consequence: missense variant.
Genome position: GRCh38 VCF-style: chr17-61684006-CA-TG. GRCh37 (hg19) VCF-style: chr17-59761367-CA-TG.
Other names: c.3039_3040delinsCA (NM_032043.2, NM_032043.3); short protein forms G1014S.
Identifiers: ClinVar variation 630622 (VCV000630622.5), ClinGen allele CA913187825.

ClinVar aggregate classification (germline): Uncertain significance (1 of 4 stars; one submission).

Conditions:
Hereditary cancer-predisposing syndrome. Also called: Tumor predisposition; Neoplastic Syndromes, Hereditary; Hereditary neoplastic syndrome; Hereditary Cancer Syndrome. Identifiers: Orphanet 140162, MedGen C0027672, MeSH D009386, MONDO:0015356.

Submission:

Color Diagnostics, LLC DBA Color Health
Classification: Uncertain significance for Hereditary cancer-predisposing syndrome. Last evaluated: 2023-12-05. Review status: criteria provided, single submitter. Criteria: ACMG Guidelines, 2015. Collection method: clinical testing. Allele origin: germline.
Comment: This missense variant replaces glycine with serine at codon 1014 of the BRIP1 protein. To our knowledge, functional studies have not been reported for this variant. This variant has not been reported in individuals affected with BRIP1-related disorders in the literature. This variant has not been identified in the general population by the Genome Aggregation Database (gnomAD). The available evidence is insufficient to determine the role of this variant in disease conclusively. Therefore, this variant is classified as a Variant of Uncertain Significance.